The following is an entry in ClinVar:

ClinVar aggregate classification (germline): Likely pathogenic (0 of 4 stars; one submission).

Conditions:
Deficiency of aromatic-L-amino-acid decarboxylase. Also called: Aromatic L-Amino Acid Decarboxylase Deficiency; Aromatic amino acid decarboxylase deficiency; AADC DEFICIENCY; DDC DEFICIENCY; DOPA DECARBOXYLASE DEFICIENCY. Identifiers: Orphanet 35708, MedGen C1291564, MONDO:0012084, OMIM 608643.

Submission:

Department of Medical Genetics, Institute of Mother and Child, Institute of Mother and Child
Classification: Likely pathogenic for Deficiency of aromatic-L-amino-acid decarboxylase. Last evaluated: 2023-04-01. Review status: no assertion criteria provided. Collection method: clinical testing. Allele origin: germline. Affected: yes. Observed: 1 variant allele.
Comment: The c.782G>T( p.Cys261Phe) variant was scored was scored as likely pathogenic using the American College of Medical Genetics and Genomics (ACMG)/Association for Molecular Pathology (AMP)/Association for Clinical Genomic Science (ACGS) recommendations as described previously by Himmelreich N et al, Mol.Genet.Metab. 2022. The variant was detected in a compound heterozygous state together with c.1060G>A (p.Gly354Ser) variant in DDC gene in a patient with clinical diagnosis of AADC deficiency (PMID: 37348148).

Literature cited by the submitters: PubMed 37348148.

NM_001082971.2(DDC):c.782G>T (p.Cys261Phe)

Gene: DDC (dopa decarboxylase; minus strand). Cytogenetic location: 7p12.2.
Variant type: single nucleotide variant.
Coding change: c.782G>T on transcript NM_001082971.2 (MANE Select); coding-DNA position 782, G replaced by T.
Protein change: p.Cys261Phe; replaces cysteine 261 with phenylalanine.
Molecular consequence: missense variant.
Genome position (GRCh38, 1-based): chr7:50,499,242, C>A on the plus strand (G>T on the coding strand, the complement: DDC is on the minus strand). VCF-style: chr7-50499242-C-A. GRCh37 (hg19) VCF-style: chr7-50566940-C-A.
Other names: c.782G>T, p.Cys261Phe (NM_000790.4, NM_001242890.2); c.668G>T, p.Cys223Phe (NM_001242886.2); c.638G>T, p.Cys213Phe (NM_001242887.2); c.548G>T, p.Cys183Phe (NM_001242888.2); c.503G>T, p.Cys168Phe (NM_001242889.2); short protein forms C168F, C183F, C213F, C223F, C261F.
Identifiers: ClinVar variation 3255514 (VCV003255514.2), dbSNP rs1363559666.